The following is an entry in ClinVar:

ClinVar aggregate classification (germline): Uncertain significance. Review status: criteria provided, multiple submitters, no conflicts (2 of 4 stars). 2 submissions from 2 submitters: Uncertain significance (2). Last evaluated 2022-08-31.

Allele frequency attached by ClinVar (database versions not stated): gnomAD exomes below 0.00001; ExAC 0.00001; gnomAD 0.00001; TOPMed 0.00002; ESP Exome Variant Server 0.00009.
gnomAD v4.1: 5 of 1,208,872 alleles (0.00041%); highest among the groups gnomAD compares: South Asian, 0.0018%; no homozygotes.

Submissions (2):

Blueprint Genetics
Classification: Uncertain significance. Last evaluated: 2022-08-31. Review status: criteria provided, single submitter. Criteria: ACMG Guidelines, 2015. Collection method: clinical testing. Allele origin: germline.

GeneDx
Classification: Uncertain significance. Last evaluated: 2018-09-04. Review status: criteria provided, single submitter. Criteria: GeneDx Variant Classification (06012015). Collection method: clinical testing. Allele origin: germline. Affected: yes.
Comment: The R1111Q variant has not been published as a pathogenic variant, nor has it been reported as a benign variant to our knowledge. The R1111Q variant is observed in in a single hemizygous individual in the ExAC dataset (Lek et al., 2016). The R1111Q variant is a semi-conservative amino acid substitution, which may impact secondary protein structure as these residues differ in some properties. This substitution occurs at a position that is not conserved. In silico analysis is inconsistent in its predictions as to whether or not the variant is damaging to the protein structure/function. In summary, based on the currently available information, it is unclear whether this variant is a pathogenic variant or a rare benign variant.

NM_000292.3(PHKA2):c.3332G>A (p.Arg1111Gln)

Gene: PHKA2 (phosphorylase kinase regulatory subunit alpha 2; minus strand). Cytogenetic location: Xp22.13.
Variant type: single nucleotide variant.
Coding change: c.3332G>A on transcript NM_000292.3 (MANE Select); coding-DNA position 3332, G replaced by A.
Protein change: p.Arg1111Gln; replaces arginine 1111 with glutamine.
Molecular consequence: missense variant.
Genome position (GRCh38, 1-based): chrX:18,895,142, C>T on the plus strand (G>A on the coding strand, the complement: PHKA2 is on the minus strand). VCF-style: chrX-18895142-C-T. GRCh37 (hg19) VCF-style: chrX-18913260-C-T.
Other names: short protein forms R1111Q.
Identifiers: ClinVar variation 423797 (VCV000423797.3), dbSNP rs374245493, ClinGen allele CA10361342.